The following is an entry in ClinVar:

ClinVar aggregate classification (germline): Conflicting classifications of pathogenicity. Review status: criteria provided, conflicting classifications (1 of 4 stars). 8 submissions from 8 submitters: Uncertain significance (7); Likely benign (1). Last evaluated 2026-02-26.

Conditions:
Cardiovascular phenotype. Identifiers: MedGen CN230736.
TTN-related disorder. Also called: TTN-related condition; TTN-related disease; TTN-related disorders.
Dilated cardiomyopathy 1G (CMD1G). Identifiers: Orphanet 154, MedGen C1858763, MONDO:0011400, OMIM 604145.
Autosomal recessive limb-girdle muscular dystrophy type 2J (LGMDR10). Also called: Limb-girdle muscular dystrophy, type 2J; MUSCULAR DYSTROPHY, LIMB-GIRDLE, AUTOSOMAL RECESSIVE 10. Identifiers: Orphanet 140922, MedGen C1837342, MONDO:0012127, OMIM 608807.

Allele frequency attached by ClinVar (database versions not stated): gnomAD exomes 0.00006 and 0.00009; ExAC 0.00007; gnomAD 0.00007; TOPMed 0.00007.

Submissions (8):

PreventionGenetics, part of Exact Sciences
Classification: Uncertain significance for TTN-related condition. Last evaluated: 2026-02-26. Review status: criteria provided, single submitter. Criteria: ACMG Guidelines, 2015. Collection method: clinical testing. Allele origin: germline.
Comment: The TTN c.53807G>A variant is predicted to result in the amino acid substitution p.Arg17936His. This variant has been reported as a variant of uncertain significance in a cohort of individuals with left ventricular noncompaction cardiomyopathy (Table S2B, Grebur et al. 2024. PubMed ID: 38380180). This variant is reported in 0.037% of alleles in individuals of Latino descent in gnomAD. At this time, the clinical significance of this variant is uncertain due to the absence of conclusive functional and genetic evidence.

Revvity Omics, Revvity
Classification: Uncertain significance. Last evaluated: 2023-11-03. Review status: criteria provided, single submitter. Criteria: ACMG Guidelines, 2015. Collection method: clinical testing. Allele origin: germline.

GeneDx
Classification: Likely benign. Last evaluated: 2021-03-24. Review status: criteria provided, single submitter. Criteria: GeneDx Variant Classification Process June 2021. Collection method: clinical testing. Allele origin: germline. Affected: yes.

Athena Diagnostics
Classification: Uncertain significance. Last evaluated: 2020-12-14. Review status: criteria provided, single submitter. Criteria: Athena Diagnostics criteria. Collection method: clinical testing. Allele origin: unknown.

Ambry Genetics
Classification: Uncertain significance for Cardiovascular phenotype. Last evaluated: 2018-02-06. Review status: criteria provided, single submitter. Criteria: Ambry Variant Classification Scheme 2023. Collection method: clinical testing. Allele origin: germline.
Comment: The p.R8871H variant (also known as c.26612G>A), located in coding exon 106 of the TTN gene, results from a G to A substitution at nucleotide position 26612. The arginine at codon 8871 is replaced by histidine, an amino acid with highly similar properties. This amino acid position is highly conserved in available vertebrate species. In addition, the in silico prediction for this alteration is inconclusive. Since supporting evidence is limited at this time, the clinical significance of this alteration remains unclear.

Eurofins Ntd Llc (ga)
Classification: Uncertain significance. Last evaluated: 2017-08-22. Review status: criteria provided, single submitter. Criteria: EGL Classification Definitions 2015. Collection method: clinical testing. Allele origin: germline. Observed: 2 variant alleles, 2 heterozygotes.

Labcorp Genetics (formerly Invitae), Labcorp
Classification: Uncertain significance for Dilated cardiomyopathy 1G; Autosomal recessive limb-girdle muscular dystrophy type 2J. Last evaluated: 2016-12-25. Review status: criteria provided, single submitter. Criteria: Invitae Variant Classification Sherloc (09022015). Collection method: clinical testing. Allele origin: germline.

Laboratory for Molecular Medicine, Mass General Brigham Personalized Medicine
Classification: Uncertain significance. Last evaluated: 2014-04-04. Review status: criteria provided, single submitter. Criteria: LMM Criteria. Collection method: clinical testing. Allele origin: germline. Observed: 3 variant alleles.
Comment: The Arg15368His variant in TTN has not been previously reported in individuals w ith cardiomyopathy or in large population studies. Computational prediction too ls and conservation analysis do not provide strong support for or against an imp act to the protein. Additional information is needed to fully assess the clinica l significance of the Arg15368His variant.

NM_001267550.2(TTN):c.53807G>A (p.Arg17936His)

Genes: TTN (titin; minus strand), TTN-AS1 (TTN antisense RNA 1; plus strand). Cytogenetic location: 2q31.2.
Variant type: single nucleotide variant.
Coding change: c.53807G>A on transcript NM_001267550.2 (MANE Select); coding-DNA position 53807, G replaced by A.
Protein change: p.Arg17936His; replaces arginine 17936 with histidine.
Molecular consequence: missense variant.
Genome position (GRCh38, 1-based): chr2:178,605,488, C>T on the plus strand (G>A on the coding strand, the complement: TTN is on the minus strand). VCF-style: chr2-178605488-C-T. GRCh37 (hg19) VCF-style: chr2-179470215-C-T.
Other names: p.R16295H:CGT>CAT; c.26987G>A, p.Arg8996His (NM_133432.3); c.27188G>A, p.Arg9063His (NM_133437.4); c.48884G>A, p.Arg16295His (NM_001256850.1); c.26612G>A, p.Arg8871His (NM_003319.4); c.46103G>A, p.Arg15368His (NM_133378.4); c.53807G>A (NM_001267550.1); short protein forms R15368H, R17936H, R16295H, R8871H, R8996H, R9063H.
Identifiers: ClinVar variation 165980 (VCV000165980.20), dbSNP rs727503604, ClinGen allele CA178743.